The following is an entry in ClinVar:

ClinVar aggregate classification (germline): Conflicting classifications of pathogenicity. Review status: criteria provided, conflicting classifications (1 of 4 stars). 5 submissions from 5 submitters: Pathogenic (1); Uncertain significance (3). 1 of the submissions does not count toward it. Last evaluated 2026-01-27.

Conditions:
Charcot-Marie-Tooth disease X-linked dominant 1. Also called: Charcot-Marie-Tooth Neuropathy X Type 1; X-linked Charcot-Marie-Tooth disease type 1; GJB1 Disorders: Charcot-Marie-Tooth Neuropathy (CMT1X) and Central Nervous System Phenotypes; CHARCOT-MARIE-TOOTH NEUROPATHY, X-LINKED, 1; CHARCOT-MARIE-TOOTH PERONEAL MUSCULAR ATROPHY, X-LINKED; HEREDITARY MOTOR AND SENSORY NEUROPATHY, X-LINKED. Identifiers: Orphanet 101075, MedGen C0393808, MONDO:0010549, OMIM 302800.
Charcot-Marie-Tooth disease. Also called: Charcot-Marie-Tooth Hereditary Neuropathy; Charcot-Marie-Tooth Neuropathy. Identifiers: Orphanet 166, MedGen C0007959, MONDO:0015626.
Charcot-Marie-Tooth Neuropathy X. Identifiers: MedGen CN118851.

Allele frequency attached by ClinVar (database versions not stated): gnomAD exomes below 0.00001 and 0.00001.
gnomAD v4.1: 3 of 1,210,205 alleles (0.00025%); highest among the groups gnomAD compares: South Asian, 0.0053%; no homozygotes.

Submissions (5):

Labcorp Genetics (formerly Invitae), Labcorp
Classification: Uncertain significance for Charcot-Marie-Tooth Neuropathy X. Last evaluated: 2026-01-27. Review status: criteria provided, single submitter. Criteria: Invitae Variant Classification Sherloc (09022015). Collection method: clinical testing. Allele origin: germline.
Comment: This sequence change replaces arginine, which is basic and polar, with cysteine, which is neutral and slightly polar, at codon 219 of the GJB1 protein (p.Arg219Cys). The frequency data for this variant in the population databases is considered unreliable, as metrics indicate poor data quality at this position in the gnomAD database. This missense change has been observed in individual(s) with GJB1-related conditions (PMID: 9361298). ClinVar contains an entry for this variant (Variation ID: 637577). Invitae Evidence Modeling of protein sequence and biophysical properties (such as structural, functional, and spatial information, amino acid conservation, physicochemical variation, residue mobility, and thermodynamic stability) has been performed for this missense variant. However, the output from this modeling did not meet the statistical confidence thresholds required to predict the impact of this variant on GJB1 protein function. Experimental studies are conflicting or provide insufficient evidence to determine the effect of this variant on GJB1 function (PMID: 12460545). In summary, the available evidence is currently insufficient to determine the role of this variant in disease. Therefore, it has been classified as a Variant of Uncertain Significance.

Genomic Medicine Center of Excellence, King Faisal Specialist Hospital and Research Centre
Classification: Pathogenic for Charcot-Marie-Tooth disease X-linked dominant 1. Last evaluated: 2025-09-10. Review status: criteria provided, single submitter. Criteria: ACMG Guidelines, 2015. Collection method: clinical testing. Allele origin: germline.

Women's Health and Genetics/Laboratory Corporation of America, LabCorp
Classification: Uncertain significance. Last evaluated: 2025-03-27. Review status: criteria provided, single submitter. Criteria: LabCorp Variant Classification Summary - May 2015. Collection method: clinical testing. Allele origin: germline.
Comment: Variant summary: GJB1 c.655C>T (p.Arg219Cys) results in a non-conservative amino acid change in the encoded protein sequence. Five of five in-silico tools predict a damaging effect of the variant on protein function. The variant allele was found at a frequency of 5.5e-06 in 181001 control chromosomes. The available data on variant occurrences in the general population are insufficient to allow any conclusion about variant significance. c.655C>T has been reported in the literature in individuals affected with Charcot-Marie-Tooth disease (e.g. Bone_1997, Record_2023). However, these reports do not provide unequivocal conclusions about association of the variant with X-linked dominant Charcot-Marie-Tooth disease 1. At least one publication reports experimental evidence evaluating an impact on protein function and found the variant resulted in expression and cell localization patterns similar to the wildtype protein (Yum_2002). The following publications have been ascertained in the context of this evaluation (PMID: 11446387, 9361298, 37284795, 12460545). ClinVar contains an entry for this variant (Variation ID: 637577). Based on the evidence outlined above, the variant was classified as uncertain significance.

GeneDx
Classification: Uncertain significance. Last evaluated: 2019-11-20. Review status: criteria provided, single submitter. Criteria: GeneDx Variant Classification Process June 2021. Collection method: clinical testing. Allele origin: germline. Affected: yes.
Comment: Identified in a patient with CMTX in published literature; however, additional clinical information and segregation information were not provided (Bone et al., 1997); Published functional studies demonstrate that the expression of GJB1 in cells transfected with R219C was similar to wild-type (Yum et al., 2002); Not observed at a significant frequency in large population cohorts (Lek et al., 2016); The majority of missense variants in this gene are considered pathogenic (Stenson et al., 2014); In silico analysis, which includes protein predictors and evolutionary conservation, supports a deleterious effect; This variant is associated with the following publications: (PMID: 9361298, 11446387, 22771394, 12460545, 21280457)

Inherited Neuropathy Consortium
Classification: Uncertain significance for Charcot-Marie-Tooth disease. Review status: no assertion criteria provided. Collection method: literature only. Allele origin: germline. Affected: yes. Not counted in ClinVar's aggregate classification.

Literature cited by the submitters: PubMed 9361298 (cited by 3 submitters); PubMed 12460545 (cited by Labcorp Genetics (formerly Invitae), Labcorp and Women's Health and Genetics/Laboratory Corporation of America, LabCorp); PubMed 37284795 (cited by Women's Health and Genetics/Laboratory Corporation of America, LabCorp); PubMed 11446387 (cited by Women's Health and Genetics/Laboratory Corporation of America, LabCorp).

NM_000166.6(GJB1):c.655C>T (p.Arg219Cys)

Gene: GJB1 (gap junction protein beta 1; plus strand). Cytogenetic location: Xq13.1.
Variant type: single nucleotide variant.
Coding change: c.655C>T on transcript NM_000166.6 (MANE Select); coding-DNA position 655, C replaced by T.
Protein change: p.Arg219Cys; replaces arginine 219 with cysteine.
Molecular consequence: missense variant.
Genome position (GRCh38, 1-based): chrX:71,224,362, C>T. VCF-style: chrX-71224362-C-T. GRCh37 (hg19) VCF-style: chrX-70444212-C-T.
Other names: c.655C>T, p.Arg219Cys (NM_001097642.3); short protein forms R219C.
Identifiers: ClinVar variation 637577 (VCV000637577.8), dbSNP rs144381053, ClinGen allele CA10445327.
Genomic context (GRCh38, chrX:71,224,362, plus strand): 5'-GGCATCTGCATCATCCTCAATGTGGCCGAGGTGGTGTACCTCATCATCCGGGCCTGTGCC[C>T]GCCGAGCCCAGCGCCGCTCCAATCCACCTTCCCGCAAGGGCTCGGGCTTCGGCCACCGCC-3'
Protein context (NP_000157.1, residues 209-229): VVYLIIRACA[Arg219Cys]RAQRRSNPPS